The following is an entry in ClinVar:

ClinVar aggregate classification (germline): Benign/Likely benign. Review status: criteria provided, multiple submitters, no conflicts (2 of 4 stars). 3 submissions from 3 submitters: Benign (1); Likely benign (2). Last evaluated 2026-01-27.

Conditions:
Hereditary cancer-predisposing syndrome. Also called: Neoplastic Syndromes, Hereditary; Tumor predisposition; Hereditary neoplastic syndrome; Hereditary Cancer Syndrome. Identifiers: Orphanet 140162, MedGen C0027672, MeSH D009386, MONDO:0015356.
Renal cell carcinoma. Identifiers: Orphanet 217071, MedGen C0007134, MeSH D002292, MONDO:0005086, HP:0005584.
Papillary renal cell carcinoma type 1 (RCCP1). Also called: Renal adenocarcinoma; Renal cell carcinoma 1; Renal cell carcinoma, somatic; RENAL CELL CARCINOMA, PAPILLARY, 1, SOMATIC. Identifiers: Orphanet 47044, MedGen C1336839, OMIM 605074, HP:0011797.

Allele frequency attached by ClinVar (database versions not stated): gnomAD exomes below 0.00001; ExAC 0.00001; gnomAD 0.00001.
gnomAD v4.1: 8 of 1,613,928 alleles (0.0005%); highest among the groups gnomAD compares: Non-Finnish European, 0.00068%; no homozygotes.

Submissions (3):

Labcorp Genetics (formerly Invitae), Labcorp
Classification: Likely benign for Renal cell carcinoma. Last evaluated: 2026-01-27. Review status: criteria provided, single submitter. Criteria: Invitae Variant Classification Sherloc (09022015). Collection method: clinical testing. Allele origin: germline.

Myriad Genetics, Inc.
Classification: Benign for Papillary renal cell carcinoma type 1. Last evaluated: 2024-11-15. Review status: criteria provided, single submitter. Criteria: Myriad Autosomal Dominant, Autosomal Recessive and X-Linked Classification Criteria (2023). Collection method: clinical testing. Allele origin: unknown.
Comment: This variant is considered benign. This variant is a silent/synonymous amino acid change and it is not expected to impact splicing.

Ambry Genetics
Classification: Likely benign for Hereditary cancer-predisposing syndrome. Last evaluated: 2019-03-28. Review status: criteria provided, single submitter. Criteria: Ambry Variant Classification Scheme 2023. Collection method: clinical testing. Allele origin: germline.

NM_000245.4(MET):c.4068T>C (p.Tyr1356=)

Gene: MET (MET proto-oncogene, receptor tyrosine kinase; plus strand). Cytogenetic location: 7q31.2.
Variant type: single nucleotide variant.
Coding change: c.4068T>C on transcript NM_000245.4 (MANE Select); coding-DNA position 4068, T replaced by C.
Protein change: p.Tyr1356=; no amino-acid change (tyrosine 1356 retained).
Molecular consequence: synonymous variant.
Genome position (GRCh38, 1-based): chr7:116,796,019, T>C. VCF-style: chr7-116796019-T-C. GRCh37 (hg19) VCF-style: chr7-116436073-T-C.
Other names: c.4122T>C, p.Tyr1374= (NM_001127500.3); c.2778T>C, p.Tyr926= (NM_001324402.2).
Identifiers: ClinVar variation 824609 (VCV000824609.13), dbSNP rs767214353, ClinGen allele CA4448822.